The following is an entry in ClinVar:

ClinVar aggregate classification (germline): Uncertain significance (1 of 4 stars; one submission).

Submission:

Labcorp Genetics (formerly Invitae), Labcorp
Classification: Uncertain significance. Last evaluated: 2025-06-30. Review status: criteria provided, single submitter. Criteria: Invitae Variant Classification Sherloc (09022015). Collection method: clinical testing. Allele origin: germline.
Comment: This sequence change replaces arginine, which is basic and polar, with tryptophan, which is neutral and slightly polar, at codon 41 of the KLHDC8B protein (p.Arg41Trp). This variant is present in population databases (no rsID available, gnomAD 0.01%). This variant has not been reported in the literature in individuals affected with KLHDC8B-related conditions. An algorithm developed to predict the effect of missense changes on protein structure and function (PolyPhen-2) suggests that this variant is likely to be tolerated. In summary, the available evidence is currently insufficient to determine the role of this variant in disease. Therefore, it has been classified as a Variant of Uncertain Significance.

NM_173546.3(KLHDC8B):c.121C>T (p.Arg41Trp)

Gene: KLHDC8B (kelch domain containing 8B; plus strand). Cytogenetic location: 3p21.31.
Variant type: single nucleotide variant.
Coding change: c.121C>T on transcript NM_173546.3 (MANE Select); coding-DNA position 121, C replaced by T.
Protein change: p.Arg41Trp; replaces arginine 41 with tryptophan.
Molecular consequence: missense variant.
Genome position (GRCh38, 1-based): chr3:49,172,890, C>T. VCF-style: chr3-49172890-C-T. GRCh37 (hg19) VCF-style: chr3-49210323-C-T.
Other names: short protein forms R41W.
Identifiers: ClinVar variation 4748203 (VCV004748203.1).